The following is an entry in ClinVar:

NM_015690.5(STK36):c.2518T>G (p.Leu840Val)

Gene: STK36 (serine/threonine kinase 36; plus strand). Cytogenetic location: 2q35.
Variant type: single nucleotide variant.
Coding change: c.2518T>G on transcript NM_015690.5 (MANE Select); coding-DNA position 2518, T replaced by G.
Protein change: p.Leu840Val; replaces leucine 840 with valine.
Molecular consequence: missense variant. On other transcripts: intron variant (1).
Genome position (GRCh38, 1-based): chr2:218,696,533, T>G. VCF-style: chr2-218696533-T-G. GRCh37 (hg19) VCF-style: chr2-219561256-T-G.
Other names: c.2518T>G, p.Leu840Val (NM_001369423.1); c.2512-57T>G (NM_001243313.2); short protein forms L840V.
Identifiers: ClinVar variation 780860 (VCV000780860.8), dbSNP rs36099639, ClinGen allele CA2111169.

ClinVar aggregate classification (germline): Benign/Likely benign. Review status: criteria provided, multiple submitters, no conflicts (2 of 4 stars). 4 submissions from 4 submitters: Benign (2); Likely benign (1). 1 of the submissions does not count toward it. Last evaluated 2022-02-15.

Conditions:
Ciliary dyskinesia, primary, 46. Identifiers: MedGen C5543646, MONDO:0030332, OMIM 619436.
STK36-related disorder. Also called: STK36-related condition.

Allele frequency attached by ClinVar (database versions not stated): gnomAD exomes 0.00159 and 0.00058; 1000 Genomes Project 30x 0.00890; gnomAD 0.00595 and 0.00622; ExAC 0.00198; ESP Exome Variant Server 0.00684; TOPMed 0.00700; 1000 Genomes Project 0.00859.
gnomAD v4.1: 1,815 of 1,614,154 alleles (0.11%); highest among the groups gnomAD compares: African/African-American, 2%; 23 homozygotes.

Submissions (4):

Fulgent Genetics
Classification: Likely benign for Ciliary dyskinesia, primary, 46. Last evaluated: 2022-02-15. Review status: criteria provided, single submitter. Criteria: ACMG Guidelines, 2015. Collection method: clinical testing. Allele origin: unknown.

Labcorp Genetics (formerly Invitae), Labcorp
Classification: Benign. Last evaluated: 2019-12-31. Review status: criteria provided, single submitter. Criteria: Invitae Variant Classification Sherloc (09022015). Collection method: clinical testing. Allele origin: germline.

Breakthrough Genomics
Classification: Benign. Review status: criteria provided, single submitter. Criteria: ACMG Guidelines, 2015. Collection method: not provided. Allele origin: germline. Inheritance: Autosomal recessive inheritance. Affected: yes.

PreventionGenetics, part of Exact Sciences
Classification: Benign for STK36-related condition. Last evaluated: 2019-05-24. Review status: no assertion criteria provided. Collection method: clinical testing. Allele origin: germline. Not counted in ClinVar's aggregate classification.
Comment: This variant is classified as benign based on ACMG/AMP sequence variant interpretation guidelines (Richards et al. 2015 PMID: 25741868, with internal and published modifications).